The following is an entry in ClinVar:

ClinVar aggregate classification (germline): Likely benign. Review status: criteria provided, multiple submitters, no conflicts (2 of 4 stars). 2 submissions from 2 submitters: Likely benign (2). Last evaluated 2026-01-06.

Conditions:
GFM1-related disorder. Also called: GFM1-related condition.

Allele frequency attached by ClinVar (database versions not stated): ExAC 0.00001; gnomAD exomes 0.00001 and 0.00002; gnomAD 0.00002.
gnomAD v4.1: 34 of 1,613,132 alleles (0.0021%); highest among the groups gnomAD compares: Non-Finnish European, 0.0027%; no homozygotes.

Submissions (2):

PreventionGenetics, part of Exact Sciences
Classification: Likely benign for GFM1-related condition. Last evaluated: 2026-01-06. Review status: criteria provided, single submitter. Criteria: ACMG Guidelines, 2015. Collection method: clinical testing. Allele origin: germline.
Comment: This variant is classified as likely benign based on ACMG/AMP sequence variant interpretation guidelines (Richards et al. 2015 PMID: 25741868, with internal and published modifications).

Labcorp Genetics (formerly Invitae), Labcorp
Classification: Likely benign. Last evaluated: 2023-11-20. Review status: criteria provided, single submitter. Criteria: Invitae Variant Classification Sherloc (09022015). Collection method: clinical testing. Allele origin: germline.

NM_024996.7(GFM1):c.1665C>A (p.Val555=)

Gene: GFM1 (G elongation factor mitochondrial 1; plus strand). Cytogenetic location: 3q25.32.
Variant type: single nucleotide variant.
Coding change: c.1665C>A on transcript NM_024996.7 (MANE Select); coding-DNA position 1665, C replaced by A.
Protein change: p.Val555=; no amino-acid change (valine 555 retained).
Molecular consequence: synonymous variant. On other transcripts: non-coding transcript variant (4).
Genome position (GRCh38, 1-based): chr3:158,682,058, C>A. VCF-style: chr3-158682058-C-A. GRCh37 (hg19) VCF-style: chr3-158399847-C-A.
Other names: c.1722C>A, p.Val574= (NM_001308164.2); c.1665C>A, p.Val555= (NM_001308166.2); c.1584C>A, p.Val528= (NM_001374355.1); c.1548C>A, p.Val516= (NM_001374356.1); c.1440C>A, p.Val480= (NM_001374357.1); c.1206C>A, p.Val402= (NM_001374358.1); c.1098C>A, p.Val366= (NM_001374359.1, NM_001374360.1); c.981C>A, p.Val327= (NM_001374361.1); and 1 more.
Identifiers: ClinVar variation 1096387 (VCV001096387.10), dbSNP rs779565754, ClinGen allele CA2682959.